The following is an entry in ClinVar:

NM_000059.4(BRCA2):c.3463A>G (p.Thr1155Ala)

Gene: BRCA2 (BRCA2 DNA repair associated; plus strand). Cytogenetic location: 13q13.1.
Variant type: single nucleotide variant.
Coding change: c.3463A>G on transcript NM_000059.4 (MANE Select); coding-DNA position 3463, A replaced by G.
Protein change: p.Thr1155Ala; replaces threonine 1155 with alanine.
Molecular consequence: missense variant.
Genome position (GRCh38, 1-based): chr13:32,337,818, A>G. VCF-style: chr13-32337818-A-G. GRCh37 (hg19) VCF-style: chr13-32911955-A-G.
Other names: short protein forms T1155A.
Identifiers: ClinVar variation 630841 (VCV000630841.21), dbSNP rs1555283257, ClinGen allele CA387776752.

ClinVar aggregate classification (germline): Conflicting classifications of pathogenicity. Review status: criteria provided, conflicting classifications (1 of 4 stars). 6 submissions from 6 submitters: Uncertain significance (4); Likely benign (2). Last evaluated 2024-10-09.

Conditions:
Hereditary breast ovarian cancer syndrome. Also called: Hereditary breast and ovarian cancer syndrome; Hereditary breast and ovarian cancer syndrome (HBOC); Hereditary breast and ovarian cancer; Hereditary breast and/or ovarian cancer syndrome; Breast and ovarian cancer; BRCA1- and BRCA2-Associated Hereditary Breast and Ovarian Cancer. Identifiers: Orphanet 145, MedGen C0677776, MeSH D061325, MONDO:0003582. Disease mechanism: loss of function.
Hereditary cancer-predisposing syndrome. Also called: Hereditary Cancer Syndrome; Neoplastic Syndromes, Hereditary; Tumor predisposition; Hereditary neoplastic syndrome. Identifiers: Orphanet 140162, MedGen C0027672, MeSH D009386, MONDO:0015356.
Breast-ovarian cancer, familial, susceptibility to, 2 (BROVCA2). Also called: BRCA2 Hereditary Breast and Ovarian Cancer. Identifiers: Orphanet 145, MedGen C2675520, MONDO:0012933, OMIM 612555. Disease mechanism: loss of function.

Allele frequency attached by ClinVar (database versions not stated): gnomAD exomes below 0.00001; TOPMed below 0.00001; gnomAD 0.00001.
gnomAD v4.1: 2 of 1,613,918 alleles (0.00012%); highest among the groups gnomAD compares: South Asian, 0.0011%; no homozygotes.

Submissions (6):

Labcorp Genetics (formerly Invitae), Labcorp
Classification: Uncertain significance for Hereditary breast ovarian cancer syndrome. Last evaluated: 2024-10-09. Review status: criteria provided, single submitter. Criteria: Invitae Variant Classification Sherloc (09022015). Collection method: clinical testing. Allele origin: germline.
Comment: This sequence change replaces threonine, which is neutral and polar, with alanine, which is neutral and non-polar, at codon 1155 of the BRCA2 protein (p.Thr1155Ala). This variant is not present in population databases (gnomAD no frequency). This variant has not been reported in the literature in individuals affected with BRCA2-related conditions. ClinVar contains an entry for this variant (Variation ID: 630841). Invitae Evidence Modeling of protein sequence and biophysical properties (such as structural, functional, and spatial information, amino acid conservation, physicochemical variation, residue mobility, and thermodynamic stability) indicates that this missense variant is not expected to disrupt BRCA2 protein function with a negative predictive value of 95%. In summary, the available evidence is currently insufficient to determine the role of this variant in disease. Therefore, it has been classified as a Variant of Uncertain Significance.

Myriad Genetics, Inc.
Classification: Likely benign for Breast-ovarian cancer, familial, susceptibility to, 2. Last evaluated: 2023-11-06. Review status: criteria provided, single submitter. Criteria: Myriad Autosomal Dominant, Autosomal Recessive and X-Linked Classification Criteria (2023). Collection method: clinical testing. Allele origin: unknown.
Comment: This variant is considered likely benign. This variant is strongly associated with less severe personal and family histories of cancer, typical for individuals without pathogenic variants in this gene [PMID: 25085752].

Ambry Genetics
Classification: Uncertain significance for Hereditary cancer-predisposing syndrome. Last evaluated: 2023-09-18. Review status: criteria provided, single submitter. Criteria: Ambry Variant Classification Scheme 2023. Collection method: clinical testing. Allele origin: germline.
Comment: The p.T1155A variant (also known as c.3463A>G), located in coding exon 10 of the BRCA2 gene, results from an A to G substitution at nucleotide position 3463. The threonine at codon 1155 is replaced by alanine, an amino acid with similar properties. This variant has been reported in 1/1120 pediatric cancer patients who underwent whole genome sequencing and/or whole exome sequencing; this patient was diagnosed with rhabdosarcoma (Zhang J et al. N Engl J Med, 2015 Dec;373:2336-2346). This amino acid position is not well conserved in available vertebrate species, and alanine is the reference amino acid in other vertebrate species. In addition, this alteration is predicted to be tolerated by in silico analysis. Since supporting evidence is limited at this time, the clinical significance of this alteration remains unclear.

University of Washington Department of Laboratory Medicine, University of Washington
Classification: Likely benign for Hereditary cancer-predisposing syndrome. Last evaluated: 2023-03-23. Review status: criteria provided, single submitter. Criteria: Dines et al. (Genet Med. 2020). Collection method: curation. Allele origin: germline.
Comment: Missense variant in a coldspot region where missense variants are very unlikely to be pathogenic (PMID:31911673).

BRCA2 exon 11 coldspot. Reclassification based on statistical prior probability.

Color Diagnostics, LLC DBA Color Health
Classification: Uncertain significance for Hereditary cancer-predisposing syndrome. Last evaluated: 2020-09-08. Review status: criteria provided, single submitter. Criteria: ACMG Guidelines, 2015. Collection method: clinical testing. Allele origin: germline.
Comment: This missense variant replaces threonine with alanine at codon 1155 of the BRCA2 protein. Computational prediction suggests that this variant may not impact protein structure and function (internally defined REVEL score threshold <= 0.5, PMID: 27666373). To our knowledge, functional studies have not been reported for this variant. This variant has not been reported in individuals affected with hereditary cancer in the literature. This variant has not been identified in the general population by the Genome Aggregation Database (gnomAD). The available evidence is insufficient to determine the role of this variant in disease conclusively. Therefore, this variant is classified as a Variant of Uncertain Significance.

Quest Diagnostics Nichols Institute San Juan Capistrano
Classification: Uncertain significance. Last evaluated: 2018-10-15. Review status: criteria provided, single submitter. Criteria: Quest Diagnostics criteria. Collection method: clinical testing. Allele origin: germline.

Literature cited by the submitters: PubMed 25085752 (cited by Myriad Genetics, Inc.); PubMed 26580448 (cited by Ambry Genetics).